The following is an entry in ClinVar:

NM_000038.6(APC):c.3224A>C (p.Tyr1075Ser)

Gene: APC (APC regulator of Wnt signaling pathway; plus strand). Cytogenetic location: 5q22.2.
Variant type: single nucleotide variant.
Coding change: c.3224A>C on transcript NM_000038.6 (MANE Select); coding-DNA position 3224, A replaced by C.
Protein change: p.Tyr1075Ser; replaces tyrosine 1075 with serine.
Molecular consequence: missense variant.
Genome position (GRCh38, 1-based): chr5:112,838,818, A>C. VCF-style: chr5-112838818-A-C. GRCh37 (hg19) VCF-style: chr5-112174515-A-C.
Other names: c.3224A>C, p.Tyr1075Ser (NM_001127510.3, NM_001354895.2, NM_001407450.1); c.3170A>C, p.Tyr1057Ser (NM_001127511.3); c.3278A>C, p.Tyr1093Ser (NM_001354896.2, NM_001407447.1, NM_001407448.1 and 1 more transcripts); c.3254A>C, p.Tyr1085Ser (NM_001354897.2); c.3149A>C, p.Tyr1050Ser (NM_001354898.2); c.3140A>C, p.Tyr1047Ser (NM_001354899.2); c.3101A>C, p.Tyr1034Ser (NM_001354900.2); c.3047A>C, p.Tyr1016Ser (NM_001354901.2, NM_001407453.1); and 12 more; short protein forms Y915S, Y974S, Y1050S, Y1065S, Y1103S, Y691S, Y792S, Y946S.
Identifiers: ClinVar variation 2098279 (VCV002098279.5), dbSNP rs2149887285, ClinGen allele CA16028405.

ClinVar aggregate classification (germline): Uncertain significance. Review status: criteria provided, multiple submitters, no conflicts (2 of 4 stars). 2 submissions from 2 submitters: Uncertain significance (2). Last evaluated 2026-07-02.

Conditions:
Familial adenomatous polyposis 1 (FAP1). Also called: FAMILIAL ADENOMATOUS POLYPOSIS 1, ATTENUATED; POLYPOSIS, ADENOMATOUS INTESTINAL. Identifiers: MedGen C2713442, MONDO:0021056, OMIM 175100. Disease mechanism: loss of function.
Hereditary cancer-predisposing syndrome. Also called: Tumor predisposition; Hereditary Cancer Syndrome; Hereditary neoplastic syndrome; Neoplastic Syndromes, Hereditary. Identifiers: Orphanet 140162, MedGen C0027672, MeSH D009386, MONDO:0015356.

Submissions (2):

Ambry Genetics
Classification: Uncertain significance for Hereditary cancer-predisposing syndrome. Last evaluated: 2026-07-02. Review status: criteria provided, single submitter. Criteria: Ambry Variant Classification Scheme 2023. Collection method: clinical testing. Allele origin: germline.
Comment: The p.Y1075S variant (also known as c.3224A>C), located in coding exon 15 of the APC gene, results from an A to C substitution at nucleotide position 3224. The tyrosine at codon 1075 is replaced by serine, an amino acid with dissimilar properties. This amino acid position is conserved. In addition, in silico predictors for this gene do not accurately predict pathogenicity. Based on the available evidence, the clinical significance of this variant remains unclear.

Labcorp Genetics (formerly Invitae), Labcorp
Classification: Uncertain significance for Familial adenomatous polyposis 1. Last evaluated: 2022-02-18. Review status: criteria provided, single submitter. Criteria: Invitae Variant Classification Sherloc (09022015). Collection method: clinical testing. Allele origin: germline.
Comment: This sequence change replaces tyrosine, which is neutral and polar, with serine, which is neutral and polar, at codon 1075 of the APC protein (p.Tyr1075Ser). This variant is not present in population databases (gnomAD no frequency). This variant has not been reported in the literature in individuals affected with APC-related conditions. Algorithms developed to predict the effect of missense changes on protein structure and function are either unavailable or do not agree on the potential impact of this missense change (SIFT: "Tolerated"; PolyPhen-2: "Possibly Damaging"; Align-GVGD: "Class C0"). In summary, the available evidence is currently insufficient to determine the role of this variant in disease. Therefore, it has been classified as a Variant of Uncertain Significance.